The following is an entry in ClinVar:

NM_203486.3(DLL3):c.805G>T (p.Gly269Ter)

Gene: DLL3 (delta like canonical Notch ligand 3; plus strand). Cytogenetic location: 19q13.2.
Variant type: single nucleotide variant.
Coding change: c.805G>T on transcript NM_203486.3 (MANE Select); coding-DNA position 805, G replaced by T.
Protein change: p.Gly269Ter; replaces glycine 269 with a stop codon.
Molecular consequence: nonsense.
Genome position (GRCh38, 1-based): chr19:39,504,223, G>T. VCF-style: chr19-39504223-G-T. GRCh37 (hg19) VCF-style: chr19-39994863-G-T.
Other names: c.805G>T, p.Gly269Ter (NM_016941.4); short protein forms G269*.
Identifiers: ClinVar variation 3642051 (VCV003642051.2).

ClinVar aggregate classification (germline): Pathogenic (1 of 4 stars; one submission).

gnomAD v4.1: 1 of 1,612,954 alleles (0.000062%); highest among the groups gnomAD compares: Non-Finnish European, 0.000085%; no homozygotes.

Submission:

Labcorp Genetics (formerly Invitae), Labcorp
Classification: Pathogenic. Last evaluated: 2024-02-19. Review status: criteria provided, single submitter. Criteria: Invitae Variant Classification Sherloc (09022015). Collection method: clinical testing. Allele origin: germline.
Comment: This sequence change creates a premature translational stop signal (p.Gly269*) in the DLL3 gene. It is expected to result in an absent or disrupted protein product. Loss-of-function variants in DLL3 are known to be pathogenic (PMID: 12746394). This variant is not present in population databases (gnomAD no frequency). This variant has not been reported in the literature in individuals affected with DLL3-related conditions. For these reasons, this variant has been classified as Pathogenic.

Literature cited by the submitters: PubMed 12746394.